The following is an entry in ClinVar:

ClinVar aggregate classification (germline): Uncertain significance (1 of 4 stars; one submission).

Conditions:
Cardiovascular phenotype. Identifiers: MedGen CN230736.

Submission:

Ambry Genetics
Classification: Uncertain significance for Cardiovascular phenotype. Last evaluated: 2023-09-26. Review status: criteria provided, single submitter. Criteria: Ambry Variant Classification Scheme 2023. Collection method: clinical testing. Allele origin: germline.
Comment: Does not currently meet published gene-disease clinical validity criteria Based on insufficient or conflicting evidence, the clinical significance of this alteration remains unclear.

Literature cited by the submitters: PubMed 28106320.

NM_006514.4(SCN10A):c.5554G>C (p.Asp1852His)

Gene: SCN10A (sodium voltage-gated channel alpha subunit 10; minus strand). Cytogenetic location: 3p22.2.
Variant type: single nucleotide variant.
Coding change: c.5554G>C on transcript NM_006514.4 (MANE Select); coding-DNA position 5554, G replaced by C.
Protein change: p.Asp1852His; replaces aspartic acid 1852 with histidine.
Molecular consequence: missense variant.
Genome position (GRCh38, 1-based): chr3:38,697,666, C>G on the plus strand (G>C on the coding strand, the complement: SCN10A is on the minus strand). VCF-style: chr3-38697666-C-G. GRCh37 (hg19) VCF-style: chr3-38739157-C-G.
Other names: c.5551G>C, p.Asp1851His (NM_001293306.2); c.5260G>C, p.Asp1754His (NM_001293307.2); short protein forms D1754H, D1851H, D1852H.
Identifiers: ClinVar variation 1748255 (VCV001748255.2), dbSNP rs777159266, ClinGen allele CA352152966.